The following is an entry in ClinVar:

NM_001042750.2(STAG2):c.3212G>A (p.Arg1071Gln)

Gene: STAG2 (STAG2 cohesin complex component; plus strand). Cytogenetic location: Xq25.
Variant type: single nucleotide variant.
Coding change: c.3212G>A on transcript NM_001042750.2 (MANE Select); coding-DNA position 3212, G replaced by A.
Protein change: p.Arg1071Gln; replaces arginine 1071 with glutamine.
Molecular consequence: missense variant.
Genome position (GRCh38, 1-based): chrX:124,086,705, G>A. VCF-style: chrX-124086705-G-A. GRCh37 (hg19) VCF-style: chrX-123220555-G-A.
Other names: c.3212G>A, p.Arg1071Gln (NM_001042749.2, NM_001042751.2, NM_001282418.2 and 13 more transcripts); short protein forms R1071Q.
Identifiers: ClinVar variation 2082075 (VCV002082075.4), dbSNP rs2148466662, ClinGen allele CA414281058.

ClinVar aggregate classification (germline): Uncertain significance (1 of 4 stars; one submission).

Submission:

Labcorp Genetics (formerly Invitae), Labcorp
Classification: Uncertain significance. Last evaluated: 2025-09-10. Review status: criteria provided, single submitter. Criteria: Invitae Variant Classification Sherloc (09022015). Collection method: clinical testing. Allele origin: germline.
Comment: This sequence change replaces arginine, which is basic and polar, with glutamine, which is neutral and polar, at codon 1071 of the STAG2 protein (p.Arg1071Gln). This variant is not present in population databases (gnomAD no frequency). This variant has not been reported in the literature in individuals affected with STAG2-related conditions. ClinVar contains an entry for this variant (Variation ID: 2082075). An algorithm developed to predict the effect of missense changes on protein structure and function (PolyPhen-2) suggests that this variant is likely to be disruptive. In summary, the available evidence is currently insufficient to determine the role of this variant in disease. Therefore, it has been classified as a Variant of Uncertain Significance.